The following is an entry in ClinVar:

ClinVar aggregate classification (germline): Uncertain significance (1 of 4 stars; one submission).

Conditions:
Hereditary nonpolyposis colorectal neoplasms. Identifiers: MedGen C0009405, MeSH D003123.

Submission:

Labcorp Genetics (formerly Invitae), Labcorp
Classification: Uncertain significance for Hereditary nonpolyposis colorectal neoplasms. Last evaluated: 2024-05-13. Review status: criteria provided, single submitter. Criteria: Invitae Variant Classification Sherloc (09022015). Collection method: clinical testing. Allele origin: germline.
Comment: This sequence change replaces phenylalanine, which is neutral and non-polar, with isoleucine, which is neutral and non-polar, at codon 1088 of the MSH6 protein (p.Phe1088Ile). This variant is not present in population databases (gnomAD no frequency). This variant has not been reported in the literature in individuals affected with MSH6-related conditions. Advanced modeling of protein sequence and biophysical properties (such as structural, functional, and spatial information, amino acid conservation, physicochemical variation, residue mobility, and thermodynamic stability) performed at Invitae indicates that this missense variant is not expected to disrupt MSH6 protein function with a negative predictive value of 95%. In summary, the available evidence is currently insufficient to determine the role of this variant in disease. Therefore, it has been classified as a Variant of Uncertain Significance.

NM_000179.3(MSH6):c.3262T>A (p.Phe1088Ile)

Gene: MSH6 (mutS homolog 6; plus strand). Cytogenetic location: 2p16.3.
Variant type: single nucleotide variant.
Coding change: c.3262T>A on transcript NM_000179.3 (MANE Select); coding-DNA position 3262, T replaced by A.
Protein change: p.Phe1088Ile; replaces phenylalanine 1088 with isoleucine.
Molecular consequence: missense variant. On other transcripts: non-coding transcript variant (5), intron variant (1).
Genome position (GRCh38, 1-based): chr2:47,803,509, T>A. VCF-style: chr2-47803509-T-A. GRCh37 (hg19) VCF-style: chr2-48030648-T-A.
Other names: c.3262T>A, p.Phe1088Ile (NM_001406796.1, NM_001406800.1, NM_001406808.1 and 1 more transcripts); c.2965T>A, p.Phe989Ile (NM_001406797.1, NM_001406801.1, NM_001406805.1 and 10 more transcripts); c.2737T>A, p.Phe913Ile (NM_001406799.1, NM_001406806.1, NM_001406807.1); c.3358T>A, p.Phe1120Ile (NM_001406802.1, NM_001406795.1); c.2398T>A, p.Phe800Ile (NM_001406803.1); c.3184T>A, p.Phe1062Ile (NM_001406804.1); c.1696T>A, p.Phe566Ile (NM_001406817.1); c.2356T>A, p.Phe786Ile (NM_001406823.1, NM_001281493.2, NM_001281494.2 and 6 more transcripts); and 7 more; short protein forms F1032I, F1062I, F1090I, F403I, F566I, F958I, F1088I, F786I.
Identifiers: ClinVar variation 2846212 (VCV002846212.3), dbSNP rs866793892, ClinGen allele CA346758153.